The following is an entry in ClinVar:

NM_001723.7(DST):c.5555A>G (p.Gln1852Arg)

Gene: DST (dystonin; minus strand). Cytogenetic location: 6p12.1.
Variant type: single nucleotide variant.
Coding change: c.5555A>G on transcript NM_001723.7 (MANE Plus Clinical); coding-DNA position 5555, A replaced by G.
Protein change: p.Gln1852Arg; replaces glutamine 1852 with arginine.
Molecular consequence: missense variant. On other transcripts: intron variant (10).
Genome position (GRCh38, 1-based): chr6:56,618,479, T>C on the plus strand (A>G on the coding strand, the complement: DST is on the minus strand). VCF-style: chr6-56618479-T-C. GRCh37 (hg19) VCF-style: chr6-56483277-T-C.
Other names: c.4831-3995A>G (NM_001144769.5); c.4930-3995A>G (NM_001374722.1, NM_001374736.1); c.4957-3995A>G (NM_001374734.1); c.4417-3995A>G (NM_001144770.2); c.4297-3995A>G (NM_001374730.1, NM_001386100.1, NM_183380.4 and 1 more transcripts); c.3319-3995A>G (NM_015548.5); short protein forms Q1852R.
Identifiers: ClinVar variation 860371 (VCV000860371.8), dbSNP rs1041781249, ClinGen allele CA139208936.

ClinVar aggregate classification (germline): Uncertain significance (1 of 4 stars; one submission).

Conditions:
Epidermolysis bullosa simplex 3, localized or generalized intermediate, with BP230 deficiency (EBS3). Also called: Epidermolysis bullosa simplex due to BP230 deficiency; Epidermolysis bullosa simplex, autosomal recessive 2. Identifiers: Orphanet 412181, MedGen C3809470, MONDO:0014180, OMIM 615425.
Hereditary sensory and autonomic neuropathy type 6. Also called: Neuropathy, hereditary sensory and autonomic, type VI; HSAN VI. Identifiers: Orphanet 314381, MedGen C3539003, MONDO:0013839, OMIM 614653.

Allele frequency attached by ClinVar (database versions not stated): gnomAD 0.00001 and 0.00003; gnomAD exomes 0.00002; TOPMed 0.00003.
gnomAD v4.1: 31 of 1,614,110 alleles (0.0019%); highest among the groups gnomAD compares: Non-Finnish European, 0.0026%; no homozygotes.

Submission:

Labcorp Genetics (formerly Invitae), Labcorp
Classification: Uncertain significance for Epidermolysis bullosa simplex 3, localized or generalized intermediate, with BP230 deficiency; Hereditary sensory and autonomic neuropathy type 6. Last evaluated: 2025-12-09. Review status: criteria provided, single submitter. Criteria: Invitae Variant Classification Sherloc (09022015). Collection method: clinical testing. Allele origin: germline.
Comment: This sequence change replaces glutamine, which is neutral and polar, with arginine, which is basic and polar, at codon 1852 of the DST protein (p.Gln1852Arg). This variant is present in population databases (no rsID available, gnomAD 0.007%). This variant has not been reported in the literature in individuals affected with DST-related conditions. ClinVar contains an entry for this variant (Variation ID: 860371). An algorithm developed to predict the effect of missense changes on protein structure and function (PolyPhen-2) suggests that this variant is likely to be disruptive. In summary, the available evidence is currently insufficient to determine the role of this variant in disease. Therefore, it has been classified as a Variant of Uncertain Significance.